The following is an entry in ClinVar:

NM_000393.5(COL5A2):c.400G>C (p.Ala134Pro)

Gene: COL5A2 (collagen type V alpha 2 chain; minus strand). Cytogenetic location: 2q32.2.
Variant type: single nucleotide variant.
Coding change: c.400G>C on transcript NM_000393.5 (MANE Select); coding-DNA position 400, G replaced by C.
Protein change: p.Ala134Pro; replaces alanine 134 with proline.
Molecular consequence: missense variant.
Genome position (GRCh38, 1-based): chr2:189,098,729, C>G on the plus strand (G>C on the coding strand, the complement: COL5A2 is on the minus strand). VCF-style: chr2-189098729-C-G. GRCh37 (hg19) VCF-style: chr2-189963455-C-G.
Other names: p.Ala134Pro; short protein forms A134P.
Identifiers: ClinVar variation 1980284 (VCV001980284.5), dbSNP rs762420291, ClinGen allele CA349863880.

ClinVar aggregate classification (germline): Uncertain significance. Review status: criteria provided, multiple submitters, no conflicts (2 of 4 stars). 2 submissions from 2 submitters: Uncertain significance (2). Last evaluated 2025-08-08.

Conditions:
Ehlers-Danlos syndrome, classic type, 1 (EDSCL1). Also called: EHLERS-DANLOS SYNDROME, GRAVIS TYPE; EHLERS-DANLOS SYNDROME, SEVERE CLASSIC TYPE; Ehlers-Danlos syndrome, type 1; EDS I; Ehlers-Danlos Syndrome, Classic Type, COL5A1-Related. Identifiers: MedGen C0268335, MONDO:0019567, OMIM 130000.

Submissions (2):

Mayo Clinic Laboratories, Mayo Clinic
Classification: Uncertain significance. Last evaluated: 2025-08-08. Review status: criteria provided, single submitter. Criteria: ACMG Guidelines, 2015. Collection method: clinical testing. Allele origin: germline. Observed: 1 variant allele.
Comment: PM2_supporting

Labcorp Genetics (formerly Invitae), Labcorp
Classification: Uncertain significance for Ehlers-Danlos syndrome, classic type, 1. Last evaluated: 2025-05-12. Review status: criteria provided, single submitter. Criteria: Invitae Variant Classification Sherloc (09022015). Collection method: clinical testing. Allele origin: germline.
Comment: This sequence change replaces alanine, which is neutral and non-polar, with proline, which is neutral and non-polar, at codon 134 of the COL5A2 protein (p.Ala134Pro). This variant is not present in population databases (gnomAD no frequency). This variant has not been reported in the literature in individuals affected with COL5A2-related conditions. ClinVar contains an entry for this variant (Variation ID: 1980284). An algorithm developed to predict the effect of missense changes on protein structure and function (PolyPhen-2) suggests that this variant is likely to be disruptive. In summary, the available evidence is currently insufficient to determine the role of this variant in disease. Therefore, it has been classified as a Variant of Uncertain Significance.